The following is an entry in ClinVar:

NR_130914.1(LINC01949):n.592C>T

Genes: LINC01949 (long independently transcribed non-coding RNA 1949; minus strand), LOC101929380 (uncharacterized LOC101929380; plus strand). Cytogenetic location: 5q14.3.
Variant type: single nucleotide variant.
Molecular consequence: non-coding transcript variant (on NR_130914.1).
Genome position: GRCh38 VCF-style: chr5-87218041-G-A. GRCh37 (hg19) VCF-style: chr5-86513858-G-A.
Identifiers: ClinVar variation 4820958 (VCV004820958.4).

ClinVar aggregate classification (germline): Likely benign (1 of 4 stars; one submission).

Submission:

CeGaT Center for Human Genetics Tuebingen
Classification: Likely benign. Last evaluated: 2026-01-01. Review status: criteria provided, single submitter. Criteria: CeGaT Center For Human Genetics Tuebingen Variant Classification Criteria Version 2. Collection method: clinical testing. Allele origin: germline. Affected: yes. Observed: 1 variant allele.
Comment: AC008394.1: BP4, BP7